The following is an entry in ClinVar:

ClinVar aggregate classification (germline): Uncertain significance (1 of 4 stars; one submission).

Submission:

Ambry Genetics
Classification: Uncertain significance. Last evaluated: 2023-11-29. Review status: criteria provided, single submitter. Criteria: Ambry Variant Classification Scheme 2023. Collection method: clinical testing. Allele origin: germline.
Comment: The p.R2419G variant (also known as c.7255A>G), located in coding exon 26 of the POLQ gene, results from an A to G substitution at nucleotide position 7255. The arginine at codon 2419 is replaced by glycine, an amino acid with dissimilar properties. This amino acid position is conserved. In addition, this alteration is predicted to be deleterious by in silico analysis. Since supporting evidence is limited at this time, the clinical significance of this alteration remains unclear.

NM_199420.4(POLQ):c.7255A>G (p.Arg2419Gly)

Gene: POLQ (DNA polymerase theta; minus strand). Cytogenetic location: 3q13.33.
Variant type: single nucleotide variant.
Coding change: c.7255A>G on transcript NM_199420.4 (MANE Select); coding-DNA position 7255, A replaced by G.
Protein change: p.Arg2419Gly; replaces arginine 2419 with glycine.
Molecular consequence: missense variant.
Genome position (GRCh38, 1-based): chr3:121,449,324, T>C on the plus strand (A>G on the coding strand, the complement: POLQ is on the minus strand). VCF-style: chr3-121449324-T-C. GRCh37 (hg19) VCF-style: chr3-121168171-T-C.
Other names: short protein forms R2419G.
Identifiers: ClinVar variation 3230144 (VCV003230144.1), dbSNP rs2546755901, ClinGen allele CA354102239.